The following is an entry in ClinVar:

ClinVar aggregate classification (germline): Uncertain significance (1 of 4 stars; one submission).

Conditions:
EGFR-related lung cancer (EGFR). Identifiers: MedGen CN130014.

Submission:

Labcorp Genetics (formerly Invitae), Labcorp
Classification: Uncertain significance for EGFR-related lung cancer. Last evaluated: 2025-05-14. Review status: criteria provided, single submitter. Criteria: Invitae Variant Classification Sherloc (09022015). Collection method: clinical testing. Allele origin: germline.
Comment: This sequence change replaces leucine, which is neutral and non-polar, with proline, which is neutral and non-polar, at codon 633 of the EGFR protein (p.Leu633Pro). This variant is not present in population databases (gnomAD no frequency). This variant has not been reported in the literature in individuals affected with EGFR-related conditions. Invitae Evidence Modeling of protein sequence and biophysical properties (such as structural, functional, and spatial information, amino acid conservation, physicochemical variation, residue mobility, and thermodynamic stability) indicates that this missense variant is not expected to disrupt EGFR protein function with a negative predictive value of 80%. In summary, the available evidence is currently insufficient to determine the role of this variant in disease. Therefore, it has been classified as a Variant of Uncertain Significance.

NM_005228.5(EGFR):c.1898T>C (p.Leu633Pro)

Gene: EGFR (epidermal growth factor receptor; plus strand). Cytogenetic location: 7p11.2.
Variant type: single nucleotide variant.
Coding change: c.1898T>C on transcript NM_005228.5 (MANE Select); coding-DNA position 1898, T replaced by C.
Protein change: p.Leu633Pro; replaces leucine 633 with proline.
Molecular consequence: missense variant.
Genome position (GRCh38, 1-based): chr7:55,171,192, T>C. VCF-style: chr7-55171192-T-C. GRCh37 (hg19) VCF-style: chr7-55238885-T-C.
Other names: c.1763T>C, p.Leu588Pro (NM_001346897.2, NM_001346899.2); c.1898T>C, p.Leu633Pro (NM_001346898.2); c.1739T>C, p.Leu580Pro (NM_001346900.2); c.1097T>C, p.Leu366Pro (NM_001346941.2); short protein forms L366P, L580P, L633P, L588P.
Identifiers: ClinVar variation 4743370 (VCV004743370.1).
Genomic context (GRCh38, chr7:55,171,192, plus strand): 5'-AGTAGAATGAGAAAAATGTATATTTCTCTTTCACTTCCTACAGATGCACTGGGCCAGGTC[T>C]TGAAGGCTGTCCAACGAATGGGTAAGTGTTCACAGCTCTGTGTCACATGGACCTCGTCAA-3'
Protein context (NP_005219.2, residues 623-643): NCTYGCTGPG[Leu633Pro]EGCPTNGPKI